The following is an entry in ClinVar:

NM_001754.5(RUNX1):c.1324C>T (p.Leu442Phe)

Gene: RUNX1 (RUNX family transcription factor 1; minus strand). Cytogenetic location: 21q22.12.
Variant type: single nucleotide variant.
Coding change: c.1324C>T on transcript NM_001754.5 (MANE Select); coding-DNA position 1324, C replaced by T.
Protein change: p.Leu442Phe; replaces leucine 442 with phenylalanine.
Molecular consequence: missense variant.
Genome position (GRCh38, 1-based): chr21:34,792,254, G>A on the plus strand (C>T on the coding strand, the complement: RUNX1 is on the minus strand). VCF-style: chr21-34792254-G-A. GRCh37 (hg19) VCF-style: chr21-36164551-G-A.
Other names: NM_001754.5(RUNX1):c.1324C>T; p.Leu442Phe; c.1243C>T, p.Leu415Phe (NM_001001890.3); short protein forms L442F, L415F.
Identifiers: ClinVar variation 950322 (VCV000950322.11), dbSNP rs1227184605, ClinGen allele CA410147365.

ClinVar aggregate classification (germline): Uncertain significance. Review status: reviewed by expert panel (3 of 4 stars). 3 submissions from 3 submitters: Uncertain significance (1). 2 of the submissions do not count toward it. Last evaluated 2024-09-18.

Conditions:
Inborn genetic diseases. Identifiers: MedGen C0950123, MeSH D030342.
Hereditary thrombocytopenia and hematologic cancer predisposition syndrome. Identifiers: Orphanet 71290, MedGen CN281654, MONDO:0011071.
Hereditary thrombocytopenia and hematological cancer predisposition syndrome associated with RUNX1. Also called: Familial Platelet Disorder with Propensity to Acute Myelogenous Leukemia; Familial thrombocytopenia with propensity to acute myelogenous leukemia; RUNX1 Familial Platelet Disorder with Associated Myeloid Malignancies; PLATELET DISORDER, ASPIRIN-LIKE. Identifiers: Orphanet 71290, MedGen C1832388, MeSH C563324, MONDO:0100083, OMIM 601399.

Allele frequency attached by ClinVar (database versions not stated): gnomAD 0.00001; TOPMed 0.00001.
gnomAD v4.1: 2 of 1,537,680 alleles (0.00013%); highest among the groups gnomAD compares: African/African-American, 0.0014%; no homozygotes.

Submissions (3):

ClinGen Myeloid Malignancy Variant Curation Expert Panel
Classification: Uncertain significance for Hereditary thrombocytopenia and hematologic cancer predisposition syndrome. Last evaluated: 2024-09-18. Review status: reviewed by expert panel. Criteria: ClinGen MyeloMalig ACMG Specifications v2. Collection method: curation. Allele origin: germline. Inheritance: Autosomal dominant inheritance.
Comment: NM_001754.5(RUNX1):c.1324C>T (p.Leu442Phe) is a missense variant which has a REVEL score < 0.50 (0.18) and a SpliceAI score ≤ 0.20 (0.0) (BP4). In summary, the clinical significance of this variant is uncertain. ACMG/AMP criteria applied, as specified by the Myeloid Malignancy Variant Curation Expert Panel for RUNX1: BP4.

Ambry Genetics
Classification: Uncertain significance for Inborn genetic diseases. Last evaluated: 2025-03-15. Review status: criteria provided, single submitter. Criteria: Ambry Variant Classification Scheme 2023. Collection method: clinical testing. Allele origin: germline. Not counted in ClinVar's aggregate classification.
Comment: The p.L442F variant (also known as c.1324C>T), located in coding exon 8 of the RUNX1 gene, results from a C to T substitution at nucleotide position 1324. The leucine at codon 442 is replaced by phenylalanine, an amino acid with highly similar properties. This amino acid position is conserved. In addition, this alteration is predicted to be tolerated by in silico analysis. Based on the available evidence, the clinical significance of this variant remains unclear.

Labcorp Genetics (formerly Invitae), Labcorp
Classification: Uncertain significance for Hereditary thrombocytopenia and hematological cancer predisposition syndrome associated with RUNX1. Last evaluated: 2022-01-11. Review status: criteria provided, single submitter. Criteria: Invitae Variant Classification Sherloc (09022015). Collection method: clinical testing. Allele origin: germline. Not counted in ClinVar's aggregate classification.
Comment: In summary, the available evidence is currently insufficient to determine the role of this variant in disease. Therefore, it has been classified as a Variant of Uncertain Significance. Algorithms developed to predict the effect of missense changes on protein structure and function are either unavailable or do not agree on the potential impact of this missense change (SIFT: "Tolerated"; PolyPhen-2: "Probably Damaging"; Align-GVGD: "Class C0"). ClinVar contains an entry for this variant (Variation ID: 950322). This variant has not been reported in the literature in individuals affected with RUNX1-related conditions. This variant is not present in population databases (gnomAD no frequency). This sequence change replaces leucine, which is neutral and non-polar, with phenylalanine, which is neutral and non-polar, at codon 442 of the RUNX1 protein (p.Leu442Phe).